The following is an entry in ClinVar:

NM_004370.6(COL12A1):c.3007A>G (p.Lys1003Glu)

Gene: COL12A1 (collagen type XII alpha 1 chain; minus strand). Cytogenetic location: 6q13.
Variant type: single nucleotide variant.
Coding change: c.3007A>G on transcript NM_004370.6 (MANE Select); coding-DNA position 3007, A replaced by G.
Protein change: p.Lys1003Glu; replaces lysine 1003 with glutamic acid.
Molecular consequence: missense variant. On other transcripts: intron variant (2).
Genome position (GRCh38, 1-based): chr6:75,156,500, T>C on the plus strand (A>G on the coding strand, the complement: COL12A1 is on the minus strand). VCF-style: chr6-75156500-T-C. GRCh37 (hg19) VCF-style: chr6-75866216-T-C.
Other names: c.3007A>G, p.Lys1003Glu (NM_001424113.1, NM_001424114.1); c.2734A>G, p.Lys912Glu (NM_001424115.1); c.74-4018A>G (NM_001424116.1, NM_080645.3); short protein forms K912E, K1003E.
Identifiers: ClinVar variation 4783190 (VCV004783190.1).

ClinVar aggregate classification (germline): Uncertain significance (1 of 4 stars; one submission).

Conditions:
Ullrich congenital muscular dystrophy 2 (UCMD2). Identifiers: Orphanet 75840, MedGen C4225314, MONDO:0014654, OMIM 616470.
Bethlem myopathy 2 (BTHLM2). Identifiers: Orphanet 536516, Orphanet 610, MedGen C4225313, MONDO:0034022, OMIM 616471.

gnomAD v4.1: 1 of 1,613,648 alleles (0.000062%); highest among the groups gnomAD compares: East Asian, 0.0022%; no homozygotes.

Submission:

Labcorp Genetics (formerly Invitae), Labcorp
Classification: Uncertain significance for Bethlem myopathy 2; Ullrich congenital muscular dystrophy 2. Last evaluated: 2025-02-27. Review status: criteria provided, single submitter. Criteria: Invitae Variant Classification Sherloc (09022015). Collection method: clinical testing. Allele origin: germline.
Comment: This sequence change replaces lysine, which is basic and polar, with glutamic acid, which is acidic and polar, at codon 1003 of the COL12A1 protein (p.Lys1003Glu). This variant is not present in population databases (gnomAD no frequency). This variant has not been reported in the literature in individuals affected with COL12A1-related conditions. Invitae Evidence Modeling of protein sequence and biophysical properties (such as structural, functional, and spatial information, amino acid conservation, physicochemical variation, residue mobility, and thermodynamic stability) indicates that this missense variant is not expected to disrupt COL12A1 protein function with a negative predictive value of 80%. In summary, the available evidence is currently insufficient to determine the role of this variant in disease. Therefore, it has been classified as a Variant of Uncertain Significance.